The following is an entry in ClinVar:

ClinVar aggregate classification (germline): Uncertain significance (1 of 4 stars; one submission).

gnomAD v4.1: 1 of 1,612,356 alleles (0.000062%); highest among the groups gnomAD compares: Non-Finnish European, 0.000085%; no homozygotes.

Submission:

Labcorp Genetics (formerly Invitae), Labcorp
Classification: Uncertain significance. Last evaluated: 2024-11-17. Review status: criteria provided, single submitter. Criteria: Invitae Variant Classification Sherloc (09022015). Collection method: clinical testing. Allele origin: germline.
Comment: This sequence change replaces histidine, which is basic and polar, with arginine, which is basic and polar, at codon 36 of the RIPK1 protein (p.His36Arg). This variant is not present in population databases (gnomAD no frequency). This variant has not been reported in the literature in individuals affected with RIPK1-related conditions. An algorithm developed to predict the effect of missense changes on protein structure and function (PolyPhen-2) suggests that this variant is likely to be disruptive. In summary, the available evidence is currently insufficient to determine the role of this variant in disease. Therefore, it has been classified as a Variant of Uncertain Significance.

NM_001354930.2(RIPK1):c.107A>G (p.His36Arg)

Gene: RIPK1 (receptor interacting serine/threonine kinase 1; plus strand). Cytogenetic location: 6p25.2.
Variant type: single nucleotide variant.
Coding change: c.107A>G on transcript NM_001354930.2 (MANE Select); coding-DNA position 107, A replaced by G.
Protein change: p.His36Arg; replaces histidine 36 with arginine.
Molecular consequence: missense variant. On other transcripts: 5 prime UTR variant (4).
Genome position (GRCh38, 1-based): chr6:3,076,930, A>G. VCF-style: chr6-3076930-A-G. GRCh37 (hg19) VCF-style: chr6-3077164-A-G.
Other names: c.-497A>G (NM_001317061.3, NM_001354932.2, NM_001354933.2 and 1 more transcripts); c.107A>G, p.His36Arg (NM_001354931.2, NM_003804.6); short protein forms H36R.
Identifiers: ClinVar variation 3725449 (VCV003725449.2).